The following is an entry in ClinVar:

NM_001242957.3(MAK):c.1381G>A (p.Val461Ile)

Gene: MAK (male germ cell associated kinase; minus strand). Cytogenetic location: 6p24.2.
Variant type: single nucleotide variant.
Coding change: c.1381G>A on transcript NM_001242957.3 (MANE Select); coding-DNA position 1381, G replaced by A.
Protein change: p.Val461Ile; replaces valine 461 with isoleucine.
Molecular consequence: missense variant. On other transcripts: non-coding transcript variant (2).
Genome position (GRCh38, 1-based): chr6:10,784,508, C>T on the plus strand (G>A on the coding strand, the complement: MAK is on the minus strand). VCF-style: chr6-10784508-C-T. GRCh37 (hg19) VCF-style: chr6-10784741-C-T.
Other names: c.1381G>A (NM_005906.4, NM_001242957.2); c.1381G>A, p.Val461Ile (NM_001242385.2, NM_005906.6); c.1279G>A, p.Val427Ile (NM_001377262.1); short protein forms V427I, V461I.
Identifiers: ClinVar variation 1015890 (VCV001015890.8), dbSNP rs376120162, ClinGen allele CA3633449.

ClinVar aggregate classification (germline): Uncertain significance. Review status: criteria provided, multiple submitters, no conflicts (2 of 4 stars). 3 submissions from 3 submitters: Uncertain significance (3). Last evaluated 2026-03-28.

Conditions:
MAK-related disorder. Also called: MAK-related condition.
Inborn genetic diseases. Identifiers: MedGen C0950123, MeSH D030342.

Allele frequency attached by ClinVar (database versions not stated): gnomAD exomes 0.00001 and 0.00003; ExAC 0.00002; ESP Exome Variant Server 0.00008; gnomAD 0.00009 and 0.00010; TOPMed 0.00012.

Submissions (3):

PreventionGenetics, part of Exact Sciences
Classification: Uncertain significance for MAK-related condition. Last evaluated: 2026-03-28. Review status: criteria provided, single submitter. Criteria: ACMG Guidelines, 2015. Collection method: clinical testing. Allele origin: germline.
Comment: The MAK c.1381G>A variant is predicted to result in the amino acid substitution p.Val461Ile. To our knowledge, this variant has not been reported in the literature. This variant is reported in 0.044% of alleles in individuals of African descent in gnomAD. At this time, the clinical significance of this variant is uncertain due to the absence of conclusive functional and genetic evidence.

Ambry Genetics
Classification: Uncertain significance for Inborn genetic diseases. Last evaluated: 2024-04-08. Review status: criteria provided, single submitter. Criteria: Ambry Variant Classification Scheme 2023. Collection method: clinical testing. Allele origin: germline.

Labcorp Genetics (formerly Invitae), Labcorp
Classification: Uncertain significance. Last evaluated: 2022-10-25. Review status: criteria provided, single submitter. Criteria: Invitae Variant Classification Sherloc (09022015). Collection method: clinical testing. Allele origin: germline.
Comment: This sequence change replaces valine, which is neutral and non-polar, with isoleucine, which is neutral and non-polar, at codon 461 of the MAK protein (p.Val461Ile). This variant is present in population databases (rs376120162, gnomAD 0.04%). This variant has not been reported in the literature in individuals affected with MAK-related conditions. ClinVar contains an entry for this variant (Variation ID: 1015890). Advanced modeling of protein sequence and biophysical properties (such as structural, functional, and spatial information, amino acid conservation, physicochemical variation, residue mobility, and thermodynamic stability) performed at Invitae indicates that this missense variant is not expected to disrupt MAK protein function. In summary, the available evidence is currently insufficient to determine the role of this variant in disease. Therefore, it has been classified as a Variant of Uncertain Significance.